The following is an entry in ClinVar:

ClinVar aggregate classification (germline): Uncertain significance (1 of 4 stars; one submission).

gnomAD v4.1: 3 of 1,614,124 alleles (0.00019%); highest among the groups gnomAD compares: Non-Finnish European, 0.00025%; no homozygotes.

Submission:

Labcorp Genetics (formerly Invitae), Labcorp
Classification: Uncertain significance. Last evaluated: 2025-10-13. Review status: criteria provided, single submitter. Criteria: Invitae Variant Classification Sherloc (09022015). Collection method: clinical testing. Allele origin: germline.
Comment: This sequence change replaces serine, which is neutral and polar, with threonine, which is neutral and polar, at codon 188 of the LAT protein (p.Ser188Thr). This variant is not present in population databases (gnomAD no frequency). This variant has not been reported in the literature in individuals affected with LAT-related conditions. An algorithm developed to predict the effect of missense changes on protein structure and function (PolyPhen-2) suggests that this variant is likely to be disruptive. In summary, the available evidence is currently insufficient to determine the role of this variant in disease. Therefore, it has been classified as a Variant of Uncertain Significance.

NM_001014987.2(LAT):c.563G>C (p.Ser188Thr)

Gene: LAT (linker for activation of T cells; plus strand). Cytogenetic location: 16p11.2.
Variant type: single nucleotide variant.
Coding change: c.563G>C on transcript NM_001014987.2 (MANE Select); coding-DNA position 563, G replaced by C.
Protein change: p.Ser188Thr; replaces serine 188 with threonine.
Molecular consequence: missense variant.
Genome position (GRCh38, 1-based): chr16:28,989,780, G>C. VCF-style: chr16-28989780-G-C. GRCh37 (hg19) VCF-style: chr16-29001101-G-C.
Other names: c.560G>C, p.Ser187Thr (NM_001014988.2); c.671G>C, p.Ser224Thr (NM_001014989.2); c.650G>C, p.Ser217Thr (NM_014387.4); short protein forms S224T, S187T, S217T, S188T.
Identifiers: ClinVar variation 4722538 (VCV004722538.1).